The following is an entry in ClinVar:

ClinVar aggregate classification (germline): Uncertain significance. Review status: criteria provided, multiple submitters, no conflicts (2 of 4 stars). 4 submissions from 4 submitters: Uncertain significance (4). Last evaluated 2026-07-23.

Conditions:
Nephronophthisis. Also called: Juvenile Nephronophthisis. Identifiers: Orphanet 655, MedGen C0687120, MONDO:0019005, HP:0000090.
Jeune thoracic dystrophy. Also called: Short-rib thoracic dysplasia; Jeune syndrome; Infantile thoracic dystrophy; Thoracic pelvic phalangeal dystrophy; Jeune's syndrome; Chondroectodermal dysplasia-like syndrome. Identifiers: Orphanet 474, MedGen C0265275, MONDO:0018770.
TTC21B-related disorder. Also called: TTC21B-related condition; TTC21B-related disorders.
Nephronophthisis 12 (NPHP12). Identifiers: Orphanet 655, MedGen C3151186, MONDO:0013442, OMIM 613820.
Asphyxiating thoracic dystrophy 4 (SRTD4). Also called: SHORT-RIB THORACIC DYSPLASIA 4 WITH OR WITHOUT POLYDACTYLY; SHORT-RIB THORACIC DYSPLASIA 4. Identifiers: Orphanet 474, MedGen C3151185, MONDO:0013441, OMIM 613819.

Allele frequency attached by ClinVar (database versions not stated): ExAC 0.00002; gnomAD exomes 0.00002 and 0.00006; ESP Exome Variant Server 0.00008; gnomAD 0.00017; TOPMed 0.00017.
gnomAD v4.1: 51 of 1,613,356 alleles (0.0032%); highest among the groups gnomAD compares: Admixed American, 0.048%; no homozygotes.

Submissions (4):

PreventionGenetics, part of Exact Sciences
Classification: Uncertain significance for TTC21B-related condition. Last evaluated: 2026-07-23. Review status: criteria provided, single submitter. Criteria: ACMG Guidelines, 2015. Collection method: clinical testing. Allele origin: germline.
Comment: The TTC21B c.3787C>T variant is predicted to result in the amino acid substitution p.Arg1263Trp. This variant has been documented in cohorts of patients with developmental disorders (Supplementary Table 1 in Kaplanis et al. 2020. PubMed ID: 33057194; Supplementary Data 3 in Zhou et al. 2022. PubMed ID: 35982159). This variant is reported in 0.026% of alleles in individuals of Latino descent in gnomAD. At this time, the clinical significance of this variant is uncertain due to the absence of conclusive functional and genetic evidence.

Fulgent Genetics
Classification: Uncertain significance for Asphyxiating thoracic dystrophy 4; Nephronophthisis 12. Last evaluated: 2024-04-24. Review status: criteria provided, single submitter. Criteria: ACMG Guidelines, 2015. Collection method: clinical testing. Allele origin: germline.

Labcorp Genetics (formerly Invitae), Labcorp
Classification: Uncertain significance for Jeune thoracic dystrophy; Nephronophthisis. Last evaluated: 2022-03-19. Review status: criteria provided, single submitter. Criteria: Invitae Variant Classification Sherloc (09022015). Collection method: clinical testing. Allele origin: germline.
Comment: This sequence change replaces arginine, which is basic and polar, with tryptophan, which is neutral and slightly polar, at codon 1263 of the TTC21B protein (p.Arg1263Trp). This variant is present in population databases (rs367690496, gnomAD 0.03%). This variant has not been reported in the literature in individuals affected with TTC21B-related conditions. Algorithms developed to predict the effect of missense changes on protein structure and function (SIFT, PolyPhen-2, Align-GVGD) all suggest that this variant is likely to be disruptive. In summary, the available evidence is currently insufficient to determine the role of this variant in disease. Therefore, it has been classified as a Variant of Uncertain Significance.

Revvity Omics, Revvity
Classification: Uncertain significance. Last evaluated: 2019-08-07. Review status: criteria provided, single submitter. Criteria: ACMG Guidelines, 2015. Collection method: clinical testing. Allele origin: germline.

NM_024753.5(TTC21B):c.3787C>T (p.Arg1263Trp)

Gene: TTC21B (tetratricopeptide repeat domain 21B; minus strand). Cytogenetic location: 2q24.3.
Variant type: single nucleotide variant.
Coding change: c.3787C>T on transcript NM_024753.5 (MANE Select); coding-DNA position 3787, C replaced by T.
Protein change: p.Arg1263Trp; replaces arginine 1263 with tryptophan.
Molecular consequence: missense variant.
Genome position (GRCh38, 1-based): chr2:165,880,697, G>A on the plus strand (C>T on the coding strand, the complement: TTC21B is on the minus strand). VCF-style: chr2-165880697-G-A. GRCh37 (hg19) VCF-style: chr2-166737207-G-A.
Other names: c.3787C>T (NM_024753.4); short protein forms R1263W.
Identifiers: ClinVar variation 1472676 (VCV001472676.10), dbSNP rs367690496, ClinGen allele CA1941405.
Genomic context (GRCh38, chr2:165,880,697, plus strand): 5'-CATAATTTTTCTGTGAAAAATCTAGGTGATTGCCAAACTCACCTACTGCCGGATTTGTCC[G>A]ATTGCTATATTTCCATGCCATCTCATAGTTCAAGGCAGCATCTGTATATGCTTGCTCTTT-3'
Protein context (NP_079029.3, residues 1253-1273): NYEMAWKYSN[Arg1263Trp]TNPAVGYKLA